The following is an entry in ClinVar:

ClinVar aggregate classification (germline): Uncertain significance. Review status: criteria provided, multiple submitters, no conflicts (2 of 4 stars). 2 submissions from 2 submitters: Uncertain significance (2). Last evaluated 2024-12-07.

Allele frequency attached by ClinVar (database versions not stated): gnomAD exomes below 0.00001.
gnomAD v4.1: 3 of 1,611,812 alleles (0.00019%); highest among the groups gnomAD compares: Admixed American, 0.0017%; no homozygotes.

Submissions (2):

Ambry Genetics
Classification: Uncertain significance. Last evaluated: 2024-12-07. Review status: criteria provided, single submitter. Criteria: Ambry Variant Classification Scheme 2023. Collection method: clinical testing. Allele origin: germline.
Comment: The p.Y690H variant (also known as c.2068T>C), located in coding exon 8 of the RNF43 gene, results from a T to C substitution at nucleotide position 2068. The tyrosine at codon 690 is replaced by histidine, an amino acid with similar properties. This amino acid position is conserved. In addition, this alteration is predicted to be tolerated by in silico analysis. Based on the available evidence, the clinical significance of this variant remains unclear.

Labcorp Genetics (formerly Invitae), Labcorp
Classification: Uncertain significance. Last evaluated: 2023-02-26. Review status: criteria provided, single submitter. Criteria: Invitae Variant Classification Sherloc (09022015). Collection method: clinical testing. Allele origin: germline.
Comment: This variant is present in population databases (no rsID available, gnomAD 0.003%). This variant has not been reported in the literature in individuals affected with RNF43-related conditions. Algorithms developed to predict the effect of missense changes on protein structure and function output the following: SIFT: "Not Available"; PolyPhen-2: "Benign"; Align-GVGD: "Not Available". The histidine amino acid residue is found in multiple mammalian species, which suggests that this missense change does not adversely affect protein function. In summary, the available evidence is currently insufficient to determine the role of this variant in disease. Therefore, it has been classified as a Variant of Uncertain Significance. This sequence change replaces tyrosine, which is neutral and polar, with histidine, which is basic and polar, at codon 690 of the RNF43 protein (p.Tyr690His).

NM_017763.6(RNF43):c.2068T>C (p.Tyr690His)

Gene: RNF43 (ring finger protein 43; minus strand). Cytogenetic location: 17q22.
Variant type: single nucleotide variant.
Coding change: c.2068T>C on transcript NM_017763.6 (MANE Select); coding-DNA position 2068, T replaced by C.
Protein change: p.Tyr690His; replaces tyrosine 690 with histidine.
Molecular consequence: missense variant.
Genome position (GRCh38, 1-based): chr17:58,357,708, A>G on the plus strand (T>C on the coding strand, the complement: RNF43 is on the minus strand). VCF-style: chr17-58357708-A-G. GRCh37 (hg19) VCF-style: chr17-56435069-A-G.
Other names: c.2068T>C, p.Tyr690His (NM_001305544.3); c.1687T>C, p.Tyr563His (NM_001305545.2); short protein forms Y563H, Y690H.
Identifiers: ClinVar variation 2908577 (VCV002908577.4), dbSNP rs1232538694, ClinGen allele CA400386349.
Genomic context (GRCh38, chr17:58,357,708, plus strand): 5'-GCCTCTTGTCCAGGCCTGGAGGTCCACAGATCAAGGGGTGTGCCTCTGGGGACCAAGGAT[A>G]TGCCACACTGGGGGTGTAATGGGGAAAAATCTGGCAAGCTGGGTGCACAGTTGCATCCTG-3'
Protein context (NP_060233.3, residues 680-700): IFPHYTPSVA[Tyr690His]PWSPEAHPLI